The following is an entry in ClinVar:

NM_007294.4(BRCA1):c.5270A>C (p.Asp1757Ala)

Gene: BRCA1 (BRCA1 DNA repair associated; minus strand). Cytogenetic location: 17q21.31.
Variant type: single nucleotide variant.
Coding change: c.5270A>C on transcript NM_007294.4 (MANE Select); coding-DNA position 5270, A replaced by C.
Protein change: p.Asp1757Ala; replaces aspartic acid 1757 with alanine.
Molecular consequence: missense variant. On other transcripts: non-coding transcript variant (1).
Genome position (GRCh38, 1-based): chr17:43,057,059, T>G on the plus strand (A>C on the coding strand, the complement: BRCA1 is on the minus strand). VCF-style: chr17-43057059-T-G. GRCh37 (hg19) VCF-style: chr17-41209076-T-G.
Other names: c.5267A>C, p.Asp1756Ala (NM_001407617.1, NM_001407618.1, NM_001407610.1 and 17 more transcripts); c.5264A>C, p.Asp1755Ala (NM_001407629.1, NM_001407630.1, NM_001407631.1 and 14 more transcripts); c.5210A>C, p.Asp1737Ala (NM_001407649.1); c.5192A>C, p.Asp1731Ala (NM_001407652.1, NM_001407653.1, NM_001407654.1 and 1 more transcripts); c.5189A>C, p.Asp1730Ala (NM_001407656.1, NM_001407657.1, NM_001407658.1); c.5186A>C, p.Asp1729Ala (NM_001407659.1, NM_001407660.1, NM_001407661.1 and 2 more transcripts); c.5144A>C, p.Asp1715Ala (NM_001407670.1, NM_001407671.1, NM_001407672.1 and 10 more transcripts); c.5141A>C, p.Asp1714Ala (NM_001407689.1, NM_001407681.1, NM_001407682.1 and 6 more transcripts); and 72 more; short protein forms D1757A, D653A, D1778A, D1710A, D1588A, D1629A, D1630A, D1686A.
Identifiers: ClinVar variation 865222 (VCV000865222.3), dbSNP rs2051498474, ClinGen allele CA10591015.

Conditions:
Breast-ovarian cancer, familial, susceptibility to, 1 (BROVCA1). Also called: BRCA1 Hereditary Breast and Ovarian Cancer; OVARIAN CANCER, SUSCEPTIBILITY TO. Identifiers: Orphanet 145, MedGen C2676676, MONDO:0011450, OMIM 604370. Disease mechanism: loss of function.

Submission:

Brotman Baty Institute, University of Washington
No classification provided (evidence only). Condition: Breast-ovarian cancer, familial 1. Review status: no classification provided. Collection method: in vitro. Allele origin: not applicable. Functional consequence: functionally_normal.
ClinVar note: "not provided" was previously submitted as the classification for the variant. However, the classification appeared to be based only on an observation of functional data so it was converted to no classification on 2025-07-30.